The following is an entry in ClinVar:

NM_030665.4(RAI1):c.606C>T (p.Pro202=)

Gene: RAI1 (retinoic acid induced 1; plus strand). Cytogenetic location: 17p11.2.
Variant type: single nucleotide variant.
Coding change: c.606C>T on transcript NM_030665.4 (MANE Select); coding-DNA position 606, C replaced by T.
Protein change: p.Pro202=; no amino-acid change (proline 202 retained).
Molecular consequence: synonymous variant.
Genome position (GRCh38, 1-based): chr17:17,793,554, C>T. VCF-style: chr17-17793554-C-T. GRCh37 (hg19) VCF-style: chr17-17696868-C-T.
Other names: c.606C>T (NM_030665.3).
Identifiers: ClinVar variation 1657971 (VCV001657971.9), dbSNP rs550268051, ClinGen allele CA288367148.

ClinVar aggregate classification (germline): Likely benign. Review status: criteria provided, single submitter (1 of 4 stars). 2 submissions from 2 submitters: Likely benign (1). 1 of the submissions does not count toward it. Last evaluated 2025-02-23.

Conditions:
RAI1-related disorder. Also called: RAI1-related condition.

Allele frequency attached by ClinVar (database versions not stated): gnomAD exomes 0.00001; gnomAD 0.00005; 1000 Genomes Project 30x 0.00016; 1000 Genomes Project 0.00020.
gnomAD v4.1: 15 of 1,613,990 alleles (0.00093%); highest among the groups gnomAD compares: African/African-American, 0.016%; no homozygotes.

Submissions (2):

Labcorp Genetics (formerly Invitae), Labcorp
Classification: Likely benign. Last evaluated: 2025-02-23. Review status: criteria provided, single submitter. Criteria: Invitae Variant Classification Sherloc (09022015). Collection method: clinical testing. Allele origin: germline.

PreventionGenetics, part of Exact Sciences
Classification: Likely benign for RAI1-related condition. Last evaluated: 2019-11-26. Review status: no assertion criteria provided. Collection method: clinical testing. Allele origin: germline. Not counted in ClinVar's aggregate classification.
Comment: This variant is classified as likely benign based on ACMG/AMP sequence variant interpretation guidelines (Richards et al. 2015 PMID: 25741868, with internal and published modifications).